The following is an entry in ClinVar:

NM_015338.6(ASXL1):c.2260A>T (p.Thr754Ser)

Gene: ASXL1 (ASXL transcriptional regulator 1; plus strand). Cytogenetic location: 20q11.21.
Variant type: single nucleotide variant.
Coding change: c.2260A>T on transcript NM_015338.6 (MANE Select); coding-DNA position 2260, A replaced by T.
Protein change: p.Thr754Ser; replaces threonine 754 with serine.
Molecular consequence: missense variant.
Genome position (GRCh38, 1-based): chr20:32,434,972, A>T. VCF-style: chr20-32434972-A-T. GRCh37 (hg19) VCF-style: chr20-31022775-A-T.
Other names: c.2077A>T, p.Thr693Ser (NM_001363734.1); c.2260A>T (NM_015338.5); short protein forms T693S, T754S.
Identifiers: ClinVar variation 1374363 (VCV001374363.8), dbSNP rs749566656, ClinGen allele CA9808580.

ClinVar aggregate classification (germline): Uncertain significance. Review status: criteria provided, multiple submitters, no conflicts (2 of 4 stars). 2 submissions from 2 submitters: Uncertain significance (2). Last evaluated 2025-02-13.

Conditions:
Inborn genetic diseases. Identifiers: MedGen C0950123, MeSH D030342.

Allele frequency attached by ClinVar (database versions not stated): gnomAD exomes below 0.00001; ExAC 0.00001; gnomAD 0.00001.
gnomAD v4.1: 3 of 1,614,066 alleles (0.00019%); highest among the groups gnomAD compares: African/African-American, 0.0027%; no homozygotes.

Submissions (2):

Ambry Genetics
Classification: Uncertain significance for Inborn genetic diseases. Last evaluated: 2025-02-13. Review status: criteria provided, single submitter. Criteria: Ambry Variant Classification Scheme 2023. Collection method: clinical testing. Allele origin: germline.
Comment: The p.T754S variant (also known as c.2260A>T), located in coding exon 13 of the ASXL1 gene, results from an A to T substitution at nucleotide position 2260. The threonine at codon 754 is replaced by serine, an amino acid with similar properties. This amino acid position is conserved. In addition, this alteration is predicted to be tolerated by in silico analysis. Based on the available evidence, the clinical significance of this variant remains unclear.

Labcorp Genetics (formerly Invitae), Labcorp
Classification: Uncertain significance. Last evaluated: 2024-07-11. Review status: criteria provided, single submitter. Criteria: Invitae Variant Classification Sherloc (09022015). Collection method: clinical testing. Allele origin: germline.
Comment: This sequence change replaces threonine, which is neutral and polar, with serine, which is neutral and polar, at codon 754 of the ASXL1 protein (p.Thr754Ser). This variant is present in population databases (rs749566656, gnomAD 0.0009%). This variant has not been reported in the literature in individuals affected with ASXL1-related conditions. ClinVar contains an entry for this variant (Variation ID: 1374363). An algorithm developed to predict the effect of missense changes on protein structure and function outputs the following: PolyPhen-2: "Possibly Damaging". The serine amino acid residue is found in multiple mammalian species, which suggests that this missense change does not adversely affect protein function. In summary, the available evidence is currently insufficient to determine the role of this variant in disease. Therefore, it has been classified as a Variant of Uncertain Significance.